The following is an entry in ClinVar:

NM_000059.4(BRCA2):c.7674G>A (p.Glu2558=)

Gene: BRCA2 (BRCA2 DNA repair associated; plus strand). Cytogenetic location: 13q13.1.
Variant type: single nucleotide variant.
Coding change: c.7674G>A on transcript NM_000059.4 (MANE Select); coding-DNA position 7674, G replaced by A.
Protein change: p.Glu2558=; no amino-acid change (glutamic acid 2558 retained).
Molecular consequence: synonymous variant. On other transcripts: non-coding transcript variant (1).
Genome position (GRCh38, 1-based): chr13:32,357,798, G>A. VCF-style: chr13-32357798-G-A. GRCh37 (hg19) VCF-style: chr13-32931935-G-A.
Other names: c.7578G>A, p.Glu2526= (NM_001406719.1); c.7674G>A, p.Glu2558= (NM_001406720.1, NM_001432077.1); c.2742G>A, p.Glu914= (NM_001406721.1); c.1257G>A, p.Glu419= (NM_001406722.1).
Identifiers: ClinVar variation 4215331 (VCV004215331.2).

ClinVar aggregate classification (germline): Likely benign. Review status: criteria provided, multiple submitters, no conflicts (2 of 4 stars). 2 submissions from 2 submitters: Likely benign (2). Last evaluated 2026-07-01.

Conditions:
Hereditary cancer-predisposing syndrome. Also called: Tumor predisposition; Hereditary neoplastic syndrome; Hereditary Cancer Syndrome; Neoplastic Syndromes, Hereditary. Identifiers: Orphanet 140162, MedGen C0027672, MeSH D009386, MONDO:0015356.

Submissions (2):

CeGaT Center for Human Genetics Tuebingen
Classification: Likely benign. Last evaluated: 2026-07-01. Review status: criteria provided, single submitter. Criteria: CeGaT Center For Human Genetics Tuebingen Variant Classification Criteria Version 2. Collection method: clinical testing. Allele origin: germline. Affected: yes. Observed: 1 variant allele.
Comment: BRCA2: PM2:Supporting, BP4, BP7

Ambry Genetics
Classification: Likely benign for Hereditary cancer-predisposing syndrome. Last evaluated: 2025-06-23. Review status: criteria provided, single submitter. Criteria: Ambry Variant Classification Scheme 2023. Collection method: clinical testing. Allele origin: germline.